The following is an entry in ClinVar:

ClinVar aggregate classification (germline): Likely benign. Review status: criteria provided, single submitter (1 of 4 stars). 2 submissions from 2 submitters: Likely benign (1). 1 of the submissions does not count toward it. Last evaluated 2025-03-18.

Conditions:
SLC26A1-related disorder. Also called: SLC26A1-related condition.

Allele frequency attached by ClinVar (database versions not stated): ESP Exome Variant Server 0.00008; 1000 Genomes Project 30x 0.00016; 1000 Genomes Project 0.00020; gnomAD 0.00003; TOPMed 0.00006; ExAC 0.00023.
gnomAD v4.1: 76 of 1,560,800 alleles (0.0049%); highest among the groups gnomAD compares: South Asian, 0.038%; no homozygotes.

Submissions (2):

Labcorp Genetics (formerly Invitae), Labcorp
Classification: Likely benign. Last evaluated: 2025-03-18. Review status: criteria provided, single submitter. Criteria: Invitae Variant Classification Sherloc (09022015). Collection method: clinical testing. Allele origin: germline.

PreventionGenetics, part of Exact Sciences
Classification: Likely benign for SLC26A1-related condition. Last evaluated: 2019-06-07. Review status: no assertion criteria provided. Collection method: clinical testing. Allele origin: germline. Not counted in ClinVar's aggregate classification.
Comment: This variant is classified as likely benign based on ACMG/AMP sequence variant interpretation guidelines (Richards et al. 2015 PMID: 25741868, with internal and published modifications).

NM_022042.4(SLC26A1):c.1530C>T (p.Thr510=)

Genes: IDUA (alpha-L-iduronidase; plus strand), SLC26A1 (solute carrier family 26 member 1; minus strand). Cytogenetic location: 4p16.3.
Variant type: single nucleotide variant.
Coding change: c.1530C>T on transcript NM_022042.4 (MANE Select); coding-DNA position 1530, C replaced by T.
Protein change: p.Thr510=; no amino-acid change (threonine 510 retained).
Molecular consequence: synonymous variant. On other transcripts: intron variant (2).
Genome position (GRCh38, 1-based): chr4:989,409, G>A on the plus strand (C>T on the coding strand, the complement: SLC26A1 is on the minus strand). VCF-style: chr4-989409-G-A. GRCh37 (hg19) VCF-style: chr4-983197-G-A.
Other names: c.1530C>T, p.Thr510= (NM_213613.4); c.576+1719C>T (NM_134425.4); c.299+1460G>A (NM_000203.5).
Identifiers: ClinVar variation 3044947 (VCV003044947.4), dbSNP rs373321958, ClinGen allele CA2801357.